The following is an entry in ClinVar:

NM_001079668.3(NKX2-1):c.*210dup

Genes: NKX2-1 (NK2 homeobox 1; minus strand), SFTA3 (surfactant associated 3; minus strand). Cytogenetic location: 14q13.3.
Variant type: Duplication.
Coding change: c.*210dup on transcript NM_001079668.3 (MANE Select); 210 bases downstream of the stop codon, one base duplicated (T; older notation c.*210dupT).
Molecular consequence: 3 prime UTR variant.
Genome position (GRCh38, 1-based): chr14:36,517,068, A duplicated on the plus strand (T on the coding strand, the reverse complement: NKX2-1 is on the minus strand); the first of 11 consecutive A bases (chr14:36,517,068-36,517,078); duplicating any one gives the same sequence. VCF-style (leftmost placement, unchanged base first): chr14-36517067-T-TA. GRCh37 (hg19) VCF-style: chr14-36986272-T-TA.
Other names: c.*210dup (NM_003317.4).
Identifiers: ClinVar variation 313132 (VCV000313132.36), dbSNP rs886050480, ClinGen allele CA10645287.

ClinVar aggregate classification (germline): Benign (1 of 4 stars; one submission).

Submission:

CeGaT Center for Human Genetics Tuebingen
Classification: Benign. Last evaluated: 2023-07-01. Review status: criteria provided, single submitter. Criteria: CeGaT Center For Human Genetics Tuebingen Variant Classification Criteria Version 2. Collection method: clinical testing. Allele origin: germline. Affected: yes. Observed: 12 variant alleles.
Comment: NKX2-1: BS1, BS2